The following is an entry in ClinVar:

NM_001126108.2(SLC12A3):c.658G>A (p.Gly220Ser)

Gene: SLC12A3 (solute carrier family 12 member 3; plus strand). Cytogenetic location: 16q13.
Variant type: single nucleotide variant.
Coding change: c.658G>A on transcript NM_001126108.2 (MANE Select); coding-DNA position 658, G replaced by A.
Protein change: p.Gly220Ser; replaces glycine 220 with serine.
Molecular consequence: missense variant.
Genome position (GRCh38, 1-based): chr16:56,870,152, G>A. VCF-style: chr16-56870152-G-A. GRCh37 (hg19) VCF-style: chr16-56904064-G-A.
Other names: NP_000330.3:p.(Gly220Ser); c.658G>A, p.Gly220Ser (NM_000339.3); c.655G>A, p.Gly219Ser (NM_001126107.2, NM_001410896.1); short protein forms G220S, G219S.
Identifiers: ClinVar variation 3580971 (VCV003580971.4).
Genomic context (GRCh38, chr16:56,870,152, plus strand): 5'-ATAGGTGGCACCTACTTCCTCATCTCCCGGAGTCTGGGCCCAGAGCTTGGGGGCTCCATC[G>A]GCCTCATTTTCGCTTTCGCCAATGCCGTGGGTGTGGCCATGCACACGGTGGGCTTTGCAG-3'
Protein context (NP_001119580.2, residues 210-230): SLGPELGGSI[Gly220Ser]LIFAFANAVG

ClinVar aggregate classification (germline): Conflicting classifications of pathogenicity. Review status: criteria provided, conflicting classifications (1 of 4 stars). 3 submissions from 3 submitters: Likely pathogenic (2); Uncertain significance (1). Last evaluated 2025-07-22.

Conditions:
Familial hypokalemia-hypomagnesemia (GTLMNS). Also called: POTASSIUM AND MAGNESIUM DEPLETION; HYPOMAGNESEMIA-HYPOKALEMIA, PRIMARY RENOTUBULAR, WITH HYPOCALCIURIA; gitelman syndrome. Identifiers: Orphanet 358, MedGen C0268450, MONDO:0009904, OMIM 263800.

gnomAD v4.1: 2 of 1,613,928 alleles (0.00012%); highest among the groups gnomAD compares: African/African-American, 0.0013%; no homozygotes.

Submissions (3):

Labcorp Genetics (formerly Invitae), Labcorp
Classification: Uncertain significance. Last evaluated: 2025-07-22. Review status: criteria provided, single submitter. Criteria: Invitae Variant Classification Sherloc (09022015). Collection method: clinical testing. Allele origin: germline.
Comment: This sequence change replaces glycine, which is neutral and non-polar, with serine, which is neutral and polar, at codon 220 of the SLC12A3 protein (p.Gly220Ser). This variant is not present in population databases (gnomAD no frequency). This missense change has been observed in individual(s) with Gitelman syndrome (PMID: 21415153). ClinVar contains an entry for this variant (Variation ID: 3580971). Invitae Evidence Modeling of protein sequence and biophysical properties (such as structural, functional, and spatial information, amino acid conservation, physicochemical variation, residue mobility, and thermodynamic stability) indicates that this missense variant is expected to disrupt SLC12A3 protein function with a positive predictive value of 95%. In summary, the available evidence is currently insufficient to determine the role of this variant in disease. Therefore, it has been classified as a Variant of Uncertain Significance.

Clinical Genetics Unit, University of Padua
Classification: Likely pathogenic for Familial hypokalemia-hypomagnesemia. Last evaluated: 2025-01-01. Review status: criteria provided, single submitter. Criteria: ACMG Guidelines, 2015. Collection method: clinical testing. Allele origin: germline. Affected: yes. Observed: 1 variant allele.
Comment: This variant affects the tightly packed TM2 and TM3 helices of NCC (PM1); it is present in gnomAD with a European MAF of 1:1,180,000 (PM2); it was reported in trans with NM_000339.3:c.247C>T, a pathogenic variant (PM3); it is a missense variant, which is the most common loss-of-function mechanism in SLC12A3 (PP2); ortholog alignment (M. musculus, B. taurus, O. anatinus, G. gallus, D. rerio, S. purpuratus, and C. elegans) and interpretation software (Franklin) predicted a deleterious effect (PP3).

Fulgent Genetics
Classification: Likely pathogenic for Familial hypokalemia-hypomagnesemia. Last evaluated: 2024-01-02. Review status: criteria provided, single submitter. Criteria: ACMG Guidelines, 2015. Collection method: clinical testing. Allele origin: germline.

Literature cited by the submitters: PubMed 21415153 (cited by Labcorp Genetics (formerly Invitae), Labcorp).